The following is an entry in ClinVar:

ClinVar aggregate classification (germline): Pathogenic/Likely pathogenic. Review status: criteria provided, multiple submitters, no conflicts (2 of 4 stars). 2 submissions from 2 submitters: Pathogenic (1); Likely pathogenic (1). Last evaluated 2025-12-01.

Conditions:
X-linked Alport syndrome (ATS1). Also called: NEPHROPATHY AND DEAFNESS, X-LINKED; COL4A5-Related Nephropathy. Identifiers: Orphanet 63, Orphanet 88917, MedGen C4746986, MONDO:0010520, OMIM 301050.

Submissions (2):

3billion
Classification: Pathogenic for X-linked Alport syndrome. Last evaluated: 2025-12-01. Review status: criteria provided, single submitter. Criteria: ACMG Guidelines, 2015. Collection method: clinical testing. Allele origin: germline. Affected: yes.
Comment: The variant is not observed in the gnomAD v4.1.0 dataset. Predicted Consequence/Location: Canonical splice site: predicted to alter splicing and result in a loss or disruption of normal protein function. Multiple pathogenic loss-of-function variants are reported downstream of the variant. In silico tools predict the variant to alter splicing and produce an abnormal transcript [SpliceAI: 0.97 (spliceogenicity >=0.2, non-spliceogenicity <0.1)]. The variant has been reported to be associated with COL4A5-related disorder (PMID: 11223851). Therefore, this variant is classified as Pathogenic according to the recommendation of ACMG/AMP guideline.

GeneDx
Classification: Likely pathogenic. Last evaluated: 2025-07-17. Review status: criteria provided, single submitter. Criteria: GeneDx Variant Classification Process June 2021. Collection method: clinical testing. Allele origin: germline. Affected: yes.
Comment: Canonical splice site variant predicted to result in in-frame deletion within a critical region. Variant damages or destroys the canonical splice acceptor site in intron 48, and is expected to cause abnormal gene splicing; if the splice outcome is exon skip, the loss of the encoded residues in the triple helical region is expected to disrupt normal protein folding and function; Not observed at significant frequency in large population cohorts (gnomAD); Also known as c.4298-1 G>C; This variant is associated with the following publications: (PMID: 25525159, 11223851, 33040356)

Literature cited by the submitters: PubMed 11223851 (cited by 3billion).

NM_033380.2(COL4A5):c.4316-1G>C (p.?)

Gene: COL4A5 (collagen type IV alpha 5 chain; plus strand). Cytogenetic location: Xq22.3.
Variant type: single nucleotide variant.
Coding change: c.4316-1G>C on transcript NM_033380.2; the canonical splice acceptor site of the intron before coding-DNA position 4316, G replaced by C.
Protein change: p.?.
Molecular consequence: splice acceptor variant (on NM_033380.3).
Genome position (GRCh38, 1-based): chrX:108,687,481, G>C. VCF-style: chrX-108687481-G-C. GRCh37 (hg19) VCF-style: chrX-107930711-G-C.
Other names: c.4316-1G>C (NM_033380.3); c.4298-1G>C (NM_000495.5).
Identifiers: ClinVar variation 4686432 (VCV004686432.2), dbSNP rs281874734.